The following is an entry in ClinVar:

NM_002838.5(PTPRC):c.3705A>C (p.Gln1235His)

Gene: PTPRC (protein tyrosine phosphatase receptor type C; plus strand). Cytogenetic location: 1q32.1.
Variant type: single nucleotide variant.
Coding change: c.3705A>C on transcript NM_002838.5 (MANE Select); coding-DNA position 3705, A replaced by C.
Protein change: p.Gln1235His; replaces glutamine 1235 with histidine.
Molecular consequence: missense variant.
Genome position (GRCh38, 1-based): chr1:198,755,965, A>C. VCF-style: chr1-198755965-A-C. GRCh37 (hg19) VCF-style: chr1-198725094-A-C.
Other names: c.3222A>C, p.Gln1074His (NM_080921.4); short protein forms Q1074H, Q1235H.
Identifiers: ClinVar variation 1424670 (VCV001424670.3), dbSNP rs781422394, ClinGen allele CA1315540.
Genomic context (GRCh38, chr1:198,755,965, plus strand): 5'-GGAGCAATATCAATTCCTATATGACGTCATTGCCAGCACCTACCCTGCTCAGAATGGACA[A>C]GTAAAGAAAAACAACCATCAAGAAGATAAAATTGAATTTGATAATGAAGTGGACAAAGTA-3'
Protein context (NP_002829.3, residues 1225-1245): IASTYPAQNG[Gln1235His]VKKNNHQEDK

ClinVar aggregate classification (germline): Uncertain significance (1 of 4 stars; one submission).

Conditions:
Immunodeficiency 104. Also called: IMMUNODEFICIENCY 104, SEVERE COMBINED; SCID, AUTOSOMAL RECESSIVE, T CELL-NEGATIVE, B CELL-POSITIVE, NK CELL-POSITIVE; Severe Combined Immune Deficiency, Autosomal Recessive, TCell -Negative, B Cell-Positive, NK Cell-Positive, IL7R-Related; Severe combined immunodeficiency, autosomal recessive, T cell-negative, B cell-positive, NK cell-positive. Identifiers: MedGen C5676890, MONDO:0012163, OMIM 608971.

Allele frequency attached by ClinVar (database versions not stated): gnomAD exomes below 0.00001 and 0.00001; TOPMed below 0.00001; ExAC 0.00001; gnomAD 0.00001.
gnomAD v4.1: 14 of 1,613,066 alleles (0.00087%); highest among the groups gnomAD compares: South Asian, 0.013%; no homozygotes.

Submission:

Labcorp Genetics (formerly Invitae), Labcorp
Classification: Uncertain significance for Immunodeficiency 104. Last evaluated: 2022-07-05. Review status: criteria provided, single submitter. Criteria: Invitae Variant Classification Sherloc (09022015). Collection method: clinical testing. Allele origin: germline.
Comment: This sequence change replaces glutamine, which is neutral and polar, with histidine, which is basic and polar, at codon 1235 of the PTPRC protein (p.Gln1235His). This variant is present in population databases (rs781422394, gnomAD 0.003%). This variant has not been reported in the literature in individuals affected with PTPRC-related conditions. ClinVar contains an entry for this variant (Variation ID: 1424670). Algorithms developed to predict the effect of missense changes on protein structure and function are either unavailable or do not agree on the potential impact of this missense change (SIFT: "Deleterious"; PolyPhen-2: "Probably Damaging"; Align-GVGD: "Class C0"). In summary, the available evidence is currently insufficient to determine the role of this variant in disease. Therefore, it has been classified as a Variant of Uncertain Significance.